The following is an entry in ClinVar:

NM_130384.3(ATRIP):c.2072C>T (p.Thr691Met)

Genes: ATRIP (ATR interacting protein; plus strand), ATRIP-TREX1 (ATRIP-TREX1 readthrough; plus strand). Cytogenetic location: 3p21.31.
Variant type: single nucleotide variant.
Coding change: c.2072C>T on transcript NM_130384.3 (MANE Select); coding-DNA position 2072, C replaced by T.
Protein change: p.Thr691Met; replaces threonine 691 with methionine.
Molecular consequence: missense variant. On other transcripts: non-coding transcript variant (1).
Genome position (GRCh38, 1-based): chr3:48,464,847, C>T. VCF-style: chr3-48464847-C-T. GRCh37 (hg19) VCF-style: chr3-48506246-C-T.
Other names: c.1691C>T, p.Thr564Met (NM_001271022.2); c.1793C>T, p.Thr598Met (NM_001271023.2); c.1991C>T, p.Thr664Met (NM_032166.4); c.2072C>T (NM_130384.1); short protein forms T564M, T598M, T691M, T664M.
Identifiers: ClinVar variation 2139025 (VCV002139025.5), dbSNP rs766841916, ClinGen allele CA2376395.

ClinVar aggregate classification (germline): Uncertain significance. Review status: criteria provided, multiple submitters, no conflicts (2 of 4 stars). 2 submissions from 2 submitters: Uncertain significance (2). Last evaluated 2025-06-05.

Allele frequency attached by ClinVar (database versions not stated): gnomAD 0.00001; gnomAD exomes 0.00001; TOPMed 0.00003; ExAC 0.00005.
gnomAD v4.1: 19 of 1,611,956 alleles (0.0012%); highest among the groups gnomAD compares: Admixed American, 0.025%; no homozygotes.

Submissions (2):

Labcorp Genetics (formerly Invitae), Labcorp
Classification: Uncertain significance. Last evaluated: 2025-06-05. Review status: criteria provided, single submitter. Criteria: Invitae Variant Classification Sherloc (09022015). Collection method: clinical testing. Allele origin: germline.
Comment: This sequence change replaces threonine, which is neutral and polar, with methionine, which is neutral and non-polar, at codon 691 of the ATRIP protein (p.Thr691Met). This variant is present in population databases (rs766841916, gnomAD 0.04%). This variant has not been reported in the literature in individuals affected with ATRIP-related conditions. ClinVar contains an entry for this variant (Variation ID: 2139025). An algorithm developed to predict the effect of missense changes on protein structure and function (PolyPhen-2) suggests that this variant is likely to be disruptive. In summary, the available evidence is currently insufficient to determine the role of this variant in disease. Therefore, it has been classified as a Variant of Uncertain Significance.

Ambry Genetics
Classification: Uncertain significance. Last evaluated: 2025-02-03. Review status: criteria provided, single submitter. Criteria: Ambry Variant Classification Scheme 2023. Collection method: clinical testing. Allele origin: germline.
Comment: The p.T691M variant (also known as c.2072C>T), located in coding exon 12 of the ATRIP gene, results from a C to T substitution at nucleotide position 2072. The threonine at codon 691 is replaced by methionine, an amino acid with similar properties. This amino acid position is conserved. In addition, the in silico prediction for this alteration is inconclusive. Based on the available evidence, the clinical significance of this variant remains unclear.